The following is an entry in ClinVar:

ClinVar aggregate classification (germline): Uncertain significance. Review status: criteria provided, multiple submitters, no conflicts (2 of 4 stars). 2 submissions from 2 submitters: Uncertain significance (2). Last evaluated 2026-07-07.

Conditions:
Wilms tumor 1 (WT1). Also called: Wilms tumor, somatic. Identifiers: Orphanet 654, MedGen CN033288, MONDO:0008679, OMIM 194070.
Inborn genetic diseases. Identifiers: MedGen C0950123, MeSH D030342.

gnomAD v4.1: 2 of 1,485,310 alleles (0.00013%); highest among the groups gnomAD compares: Non-Finnish European, 0.00018%; no homozygotes.

Submissions (2):

Ambry Genetics
Classification: Uncertain significance for Inborn genetic diseases. Last evaluated: 2026-07-07. Review status: criteria provided, single submitter. Criteria: Ambry Variant Classification Scheme 2023. Collection method: clinical testing. Allele origin: germline.
Comment: The p.P110L variant (also known as c.329C>T), located in coding exon 1 of the WT1 gene, results from a C to T substitution at nucleotide position 329. The proline at codon 110 is replaced by leucine, an amino acid with similar properties. This amino acid position is conserved. In addition, this alteration is predicted to be tolerated by in silico analysis. Based on the available evidence, the clinical significance of this variant remains unclear.

All of Us Research Program, National Institutes of Health
Classification: Uncertain significance for Wilms tumor 1. Last evaluated: 2024-02-22. Review status: criteria provided, single submitter. Criteria: ACMG Guidelines, 2015. Collection method: clinical testing. Allele origin: germline. Inheritance: Autosomal dominant inheritance. Observed: 1 variant allele, 1 heterozygote.
Comment: This missense variant replaces proline with leucine at codon 110 of the WT1 protein. Computational prediction suggests that this variant may not impact protein structure and function (internally defined REVEL score threshold <= 0.5, PMID: 27666373). To our knowledge, functional studies have not been reported for this variant. This variant has not been reported in individuals affected with WT1-related disorders in the literature. This variant has not been identified in the general population by the Genome Aggregation Database (gnomAD). The available evidence is insufficient to determine the role of this variant in disease conclusively. Therefore, this variant is classified as a Variant of Uncertain Significance.

This study involves interpretation of variants in research participants for the purpose of population health screening. Participant phenotype was not available at the time of variant classification. Additional details can be found in publication PMID: 35346344, PMCID: PMC8962531

NM_024426.6(WT1):c.344C>T (p.Pro115Leu)

Genes: WT1 (WT1 transcription factor; minus strand), LOC107982234 (WT1/WT1-AS bi-directional promoter region; plus strand). Cytogenetic location: 11p13.
Variant type: single nucleotide variant.
Coding change: c.344C>T on transcript NM_024426.6 (MANE Select); coding-DNA position 344, C replaced by T.
Protein change: p.Pro115Leu; replaces proline 115 with leucine.
Molecular consequence: missense variant. On other transcripts: non-coding transcript variant (2).
Genome position (GRCh38, 1-based): chr11:32,435,017, G>A on the plus strand (C>T on the coding strand, the complement: WT1 is on the minus strand). VCF-style: chr11-32435017-G-A. GRCh37 (hg19) VCF-style: chr11-32456563-G-A.
Other names: c.344C>T, p.Pro115Leu (NM_000378.6, NM_001407044.1, NM_001407045.1 and 6 more transcripts); c.125C>T, p.Pro42Leu (NM_001429031.1, NM_001429032.1, NM_001429033.1 and 1 more transcripts); c.329C>T (NM_024426.4); short protein forms P110L, P115L, P42L.
Identifiers: ClinVar variation 3386207 (VCV003386207.2).